The following is an entry in ClinVar:

NM_000138.5(FBN1):c.6932G>A (p.Arg2311His)

Gene: FBN1 (fibrillin 1; minus strand). Cytogenetic location: 15q21.1.
Variant type: single nucleotide variant.
Coding change: c.6932G>A on transcript NM_000138.5 (MANE Select); coding-DNA position 6932, G replaced by A.
Protein change: p.Arg2311His; replaces arginine 2311 with histidine.
Molecular consequence: missense variant.
Genome position (GRCh38, 1-based): chr15:48,428,411, C>T on the plus strand (G>A on the coding strand, the complement: FBN1 is on the minus strand). VCF-style: chr15-48428411-C-T. GRCh37 (hg19) VCF-style: chr15-48720608-C-T.
Other names: short protein forms R2311H.
Identifiers: ClinVar variation 200197 (VCV000200197.15), dbSNP rs141868829, ClinGen allele CA016860.

ClinVar aggregate classification (germline): Conflicting classifications of pathogenicity. Review status: criteria provided, conflicting classifications (1 of 4 stars). 6 submissions from 6 submitters: Uncertain significance (2); Benign (1); Likely benign (3). Last evaluated 2024-11-13.

Conditions:
Cardiovascular phenotype. Identifiers: MedGen CN230736.
Marfan syndrome (MFS). Also called: MARFAN SYNDROME, TYPE I; FBN1-Related Marfan Syndrome; Marfan syndrome, classic; Marfan syndrome type 1; Marfan's syndrome. Identifiers: Orphanet 284963, Orphanet 558, MedGen C0024796, MONDO:0007947, OMIM 154700.
Familial thoracic aortic aneurysm and aortic dissection (TAAD). Also called: Thoracic aortic aneurysms and dissections. Identifiers: Orphanet 91387, MedGen C4707243, MONDO:0019625.

Allele frequency attached by ClinVar (database versions not stated): TOPMed 0.00002; ExAC 0.00002; gnomAD exomes 0.00001 and 0.00002; 1000 Genomes Project 30x 0.00016; 1000 Genomes Project 0.00020; gnomAD 0.00001.
gnomAD v4.1: 24 of 1,614,068 alleles (0.0015%); highest among the groups gnomAD compares: East Asian, 0.025%; no homozygotes.

Submissions (6):

Color Diagnostics, LLC DBA Color Health
Classification: Likely benign for Familial thoracic aortic aneurysm and aortic dissection. Last evaluated: 2024-11-13. Review status: criteria provided, single submitter. Criteria: ACMG Guidelines, 2015. Collection method: clinical testing. Allele origin: germline.

Labcorp Genetics (formerly Invitae), Labcorp
Classification: Benign for Marfan syndrome; Familial thoracic aortic aneurysm and aortic dissection. Last evaluated: 2024-06-05. Review status: criteria provided, single submitter. Criteria: Invitae Variant Classification Sherloc (09022015). Collection method: clinical testing. Allele origin: germline.

All of Us Research Program, National Institutes of Health
Classification: Uncertain significance for Marfan syndrome. Last evaluated: 2023-12-13. Review status: criteria provided, single submitter. Criteria: ACMG Guidelines, 2015. Collection method: clinical testing. Allele origin: germline. Inheritance: Autosomal dominant inheritance. Observed: 9 variant alleles, 9 heterozygotes.
Comment: This missense variant replaces arginine with histidine at codon 2311 of the FBN1 protein. Computational prediction suggests that this variant may not impact protein structure and function (internally defined REVEL score threshold <= 0.5, PMID: 27666373). To our knowledge, functional studies have not been reported for this variant. This variant has not been reported in individuals affected with cardiovascular disorders in the literature. This variant has been identified in 7/282628 chromosomes in the general population by the Genome Aggregation Database (gnomAD). The available evidence is insufficient to determine the role of this variant in disease conclusively. Therefore, this variant is classified as a Variant of Uncertain Significance.

This study involves interpretation of variants in research participants for the purpose of population health screening. Participant phenotype was not available at the time of variant classification. Additional details can be found in publication PMID: 35346344, PMCID: PMC8962531

Blueprint Genetics
Classification: Likely benign. Last evaluated: 2022-12-13. Review status: criteria provided, single submitter. Criteria: ACMG Guidelines, 2015. Collection method: clinical testing. Allele origin: germline.

Ambry Genetics
Classification: Uncertain significance for Cardiovascular phenotype. Last evaluated: 2012-08-28. Review status: criteria provided, single submitter. Criteria: Ambry Autosomal Dominant and X-Linked criteria (10/2015). Collection method: clinical testing. Allele origin: germline. Observed: 1 variant allele.
Comment: There is insufficient or conflicting evidence for classification of this alteration.

PreventionGenetics, part of Exact Sciences
Classification: Likely benign. Review status: criteria provided, single submitter. Criteria: ACMG Guidelines, 2015. Collection method: clinical testing. Allele origin: germline.